The following is an entry in ClinVar:

NM_001256545.2(MEGF10):c.3392G>C (p.Ser1131Thr)

Gene: MEGF10 (multiple EGF like domains 10; plus strand). Cytogenetic location: 5q23.2.
Variant type: single nucleotide variant.
Coding change: c.3392G>C on transcript NM_001256545.2 (MANE Select); coding-DNA position 3392, G replaced by C.
Protein change: p.Ser1131Thr; replaces serine 1131 with threonine.
Molecular consequence: missense variant.
Genome position (GRCh38, 1-based): chr5:127,457,287, G>C. VCF-style: chr5-127457287-G-C. GRCh37 (hg19) VCF-style: chr5-126792979-G-C.
Other names: c.3392G>C, p.Ser1131Thr (NM_032446.3); short protein forms S1131T.
Identifiers: ClinVar variation 2163596 (VCV002163596.4), dbSNP rs1388266650, ClinGen allele CA360720089.

ClinVar aggregate classification (germline): Uncertain significance (1 of 4 stars; one submission).

Conditions:
MEGF10-related myopathy (CMYO10A). Also called: Congenital myopathy 10A, severe variant. Identifiers: Orphanet 439212, MedGen C3280679, MONDO:0013731, OMIM 614399.

gnomAD v4.1: 2 of 1,613,420 alleles (0.00012%); highest among the groups gnomAD compares: Non-Finnish European, 0.00017%; no homozygotes.

Submission:

Labcorp Genetics (formerly Invitae), Labcorp
Classification: Uncertain significance for MEGF10-related myopathy. Last evaluated: 2022-01-31. Review status: criteria provided, single submitter. Criteria: Invitae Variant Classification Sherloc (09022015). Collection method: clinical testing. Allele origin: germline.
Comment: This sequence change replaces serine, which is neutral and polar, with threonine, which is neutral and polar, at codon 1131 of the MEGF10 protein (p.Ser1131Thr). In summary, the available evidence is currently insufficient to determine the role of this variant in disease. Therefore, it has been classified as a Variant of Uncertain Significance. Algorithms developed to predict the effect of missense changes on protein structure and function are either unavailable or do not agree on the potential impact of this missense change (SIFT: "Tolerated"; PolyPhen-2: "Not Available"; Align-GVGD: "Class C0"). This variant has not been reported in the literature in individuals affected with MEGF10-related conditions. This variant is not present in population databases (gnomAD no frequency).